The following is an entry in ClinVar:

NM_001037.5(SCN1B):c.424A>G (p.Ile142Val)

Gene: SCN1B (sodium voltage-gated channel beta subunit 1; plus strand). Cytogenetic location: 19q13.11.
Variant type: single nucleotide variant.
Coding change: c.424A>G on transcript NM_001037.5 (MANE Select); coding-DNA position 424, A replaced by G.
Protein change: p.Ile142Val; replaces isoleucine 142 with valine.
Molecular consequence: missense variant.
Genome position (GRCh38, 1-based): chr19:35,033,715, A>G. VCF-style: chr19-35033715-A-G. GRCh37 (hg19) VCF-style: chr19-35524619-A-G.
Other names: c.325A>G, p.Ile109Val (NM_001321605.2); c.424A>G, p.Ile142Val (NM_199037.5); short protein forms I142V, I109V.
Identifiers: ClinVar variation 1739057 (VCV001739057.4), dbSNP rs2514234731, ClinGen allele CA405329014.

ClinVar aggregate classification (germline): Uncertain significance. Review status: criteria provided, multiple submitters, no conflicts (2 of 4 stars). 2 submissions from 2 submitters: Uncertain significance (2). Last evaluated 2024-06-17.

Conditions:
Cardiovascular phenotype. Identifiers: MedGen CN230736.
Brugada syndrome 5 (BRGDA5). Identifiers: Orphanet 130, Orphanet 871, MedGen C2748541, MONDO:0013015, OMIM 612838.

Submissions (2):

Labcorp Genetics (formerly Invitae), Labcorp
Classification: Uncertain significance for Brugada syndrome 5. Last evaluated: 2024-06-17. Review status: criteria provided, single submitter. Criteria: Invitae Variant Classification Sherloc (09022015). Collection method: clinical testing. Allele origin: germline.
Comment: This sequence change replaces isoleucine, which is neutral and non-polar, with valine, which is neutral and non-polar, at codon 142 of the SCN1B protein (p.Ile142Val). This variant is not present in population databases (gnomAD no frequency). This variant has not been reported in the literature in individuals affected with SCN1B-related conditions. ClinVar contains an entry for this variant (Variation ID: 1739057). An algorithm developed to predict the effect of missense changes on protein structure and function (PolyPhen-2) suggests that this variant is likely to be tolerated. In summary, the available evidence is currently insufficient to determine the role of this variant in disease. Therefore, it has been classified as a Variant of Uncertain Significance.

Ambry Genetics
Classification: Uncertain significance for Cardiovascular phenotype. Last evaluated: 2020-02-18. Review status: criteria provided, single submitter. Criteria: Ambry Variant Classification Scheme 2023. Collection method: clinical testing. Allele origin: germline.
Comment: The p.I142V variant (also known as c.424A>G), located in coding exon 3 of the SCN1B gene, results from an A to G substitution at nucleotide position 424. The isoleucine at codon 142 is replaced by valine, an amino acid with highly similar properties. This amino acid position is not well conserved in available vertebrate species, and valine is the reference amino acid in other vertebrate species. In addition, this alteration is predicted to be tolerated by in silico analysis. Since supporting evidence is limited at this time, the clinical significance of this alteration remains unclear.